The following is an entry in ClinVar:

NM_001083619.3(GRIA2):c.436G>A (p.Asp146Asn)

Gene: GRIA2 (glutamate ionotropic receptor AMPA type subunit 2; plus strand). Cytogenetic location: 4q32.1.
Variant type: single nucleotide variant.
Coding change: c.436G>A on transcript NM_001083619.3 (MANE Select); coding-DNA position 436, G replaced by A.
Protein change: p.Asp146Asn; replaces aspartic acid 146 with asparagine.
Molecular consequence: missense variant.
Genome position (GRCh38, 1-based): chr4:157,303,758, G>A. VCF-style: chr4-157303758-G-A. GRCh37 (hg19) VCF-style: chr4-158224910-G-A.
Other names: c.436G>A, p.Asp146Asn (NM_000826.6); c.295G>A, p.Asp99Asn (NM_001083620.3, NM_001379000.3, NM_001379001.3); short protein forms D146N, D99N.
Identifiers: ClinVar variation 1800526 (VCV001800526.1), dbSNP rs1415528327, ClinGen allele CA358649667.

ClinVar aggregate classification (germline): Uncertain significance (1 of 4 stars; one submission).

Allele frequency attached by ClinVar (database versions not stated): gnomAD exomes below 0.00001; TOPMed below 0.00001.

Submission:

GeneDx
Classification: Uncertain significance. Last evaluated: 2022-05-16. Review status: criteria provided, single submitter. Criteria: GeneDx Variant Classification Process June 2021. Collection method: clinical testing. Allele origin: germline. Affected: yes.
Comment: In silico analysis supports that this missense variant does not alter protein structure/function; Has not been previously published as pathogenic or benign to our knowledge